The following is an entry in ClinVar:

NM_004183.4(BEST1):c.218T>G (p.Ile73Ser)

Gene: BEST1 (bestrophin 1; plus strand). Cytogenetic location: 11q12.3.
Variant type: single nucleotide variant.
Coding change: c.218T>G on transcript NM_004183.4 (MANE Select); coding-DNA position 218, T replaced by G.
Protein change: p.Ile73Ser; replaces isoleucine 73 with serine.
Molecular consequence: missense variant. On other transcripts: non-coding transcript variant (1).
Genome position (GRCh38, 1-based): chr11:61,955,172, T>G. VCF-style: chr11-61955172-T-G. GRCh37 (hg19) VCF-style: chr11-61722644-T-G.
Other names: c.38T>G, p.Ile13Ser (NM_001139443.3, NM_001300786.2, NM_001300787.2); c.218T>G, p.Ile73Ser (NM_001363592.2); short protein forms I73S, I13S.
Identifiers: ClinVar variation 3634170 (VCV003634170.2).

ClinVar aggregate classification (germline): Uncertain significance (1 of 4 stars; one submission).

Submission:

Labcorp Genetics (formerly Invitae), Labcorp
Classification: Uncertain significance. Last evaluated: 2024-05-02. Review status: criteria provided, single submitter. Criteria: Invitae Variant Classification Sherloc (09022015). Collection method: clinical testing. Allele origin: germline.
Comment: This sequence change replaces isoleucine, which is neutral and non-polar, with serine, which is neutral and polar, at codon 73 of the BEST1 protein (p.Ile73Ser). This variant is not present in population databases (gnomAD no frequency). This variant has not been reported in the literature in individuals affected with BEST1-related conditions. Advanced modeling of protein sequence and biophysical properties (such as structural, functional, and spatial information, amino acid conservation, physicochemical variation, residue mobility, and thermodynamic stability) has been performed at Invitae for this missense variant, however the output from this modeling did not meet the statistical confidence thresholds required to predict the impact of this variant on BEST1 protein function. This variant disrupts the p.Ile73 amino acid residue in BEST1. Other variant(s) that disrupt this residue have been determined to be pathogenic (PMID: 11241846, 17110374, 31456290). This suggests that this residue is clinically significant, and that variants that disrupt this residue are likely to be disease-causing. In summary, the available evidence is currently insufficient to determine the role of this variant in disease. Therefore, it has been classified as a Variant of Uncertain Significance.

Literature cited by the submitters: PubMed 11241846; PubMed 17110374; PubMed 31456290.